The following is an entry in ClinVar:

ClinVar aggregate classification (germline): Uncertain significance. Review status: criteria provided, multiple submitters, no conflicts (2 of 4 stars). 3 submissions from 3 submitters: Uncertain significance (3). Last evaluated 2025-04-04.

Conditions:
Inborn genetic diseases. Identifiers: MedGen C0950123, MeSH D030342.

Submissions (3):

Ambry Genetics
Classification: Uncertain significance for Inborn genetic diseases. Last evaluated: 2025-04-04. Review status: criteria provided, single submitter. Criteria: Ambry Variant Classification Scheme 2023. Collection method: clinical testing. Allele origin: germline.
Comment: The p.C283G variant (also known as c.847T>G), located in coding exon 1 of the SAMD9L gene, results from a T to G substitution at nucleotide position 847. The cysteine at codon 283 is replaced by glycine, an amino acid with highly dissimilar properties. This amino acid position is conserved. In addition, the in silico prediction for this alteration is inconclusive. Based on the available evidence, the clinical significance of this variant remains unclear.

Mayo Clinic Laboratories, Mayo Clinic
Classification: Uncertain significance. Last evaluated: 2024-03-18. Review status: criteria provided, single submitter. Criteria: ACMG Guidelines, 2015. Collection method: clinical testing. Allele origin: germline. Observed: 1 variant allele.
Comment: PM2

Labcorp Genetics (formerly Invitae), Labcorp
Classification: Uncertain significance. Last evaluated: 2023-11-06. Review status: criteria provided, single submitter. Criteria: Invitae Variant Classification Sherloc (09022015). Collection method: clinical testing. Allele origin: germline.
Comment: This sequence change replaces cysteine, which is neutral and slightly polar, with glycine, which is neutral and non-polar, at codon 283 of the SAMD9L protein (p.Cys283Gly). This variant is not present in population databases (gnomAD no frequency). This variant has not been reported in the literature in individuals affected with SAMD9L-related conditions. An algorithm developed to predict the effect of missense changes on protein structure and function (PolyPhen-2) suggests that this variant is likely to be disruptive. In summary, the available evidence is currently insufficient to determine the role of this variant in disease. Therefore, it has been classified as a Variant of Uncertain Significance.

NM_152703.5(SAMD9L):c.847T>G (p.Cys283Gly)

Gene: SAMD9L (sterile alpha motif domain containing 9 like; minus strand). Cytogenetic location: 7q21.2.
Variant type: single nucleotide variant.
Coding change: c.847T>G on transcript NM_152703.5 (MANE Select); coding-DNA position 847, T replaced by G.
Protein change: p.Cys283Gly; replaces cysteine 283 with glycine.
Molecular consequence: missense variant.
Genome position (GRCh38, 1-based): chr7:93,135,125, A>C on the plus strand (T>G on the coding strand, the complement: SAMD9L is on the minus strand). VCF-style: chr7-93135125-A-C. GRCh37 (hg19) VCF-style: chr7-92764438-A-C.
Other names: p.Cys283Gly; c.847T>G, p.Cys283Gly (NM_001303496.3, NM_001303497.3, NM_001303498.3 and 5 more transcripts); c.847T>G (NM_152703.2); short protein forms C283G.
Identifiers: ClinVar variation 2983353 (VCV002983353.5), dbSNP rs2535433660, ClinGen allele CA368200418.